The following is an entry in ClinVar:

ClinVar aggregate classification (germline): Pathogenic. Review status: criteria provided, multiple submitters, no conflicts (2 of 4 stars). 5 submissions from 5 submitters: Pathogenic (5). Last evaluated 2024-10-17.

Conditions:
Neurodevelopmental disorder. Identifiers: MedGen C1535926, MeSH D065886, MONDO:0700092.
Sotos syndrome (SOTOS). Also called: Distinctive facial appearance, overgrowth in childhood, and learning disabilities or delayed development; CEREBRAL GIGANTISM; Sotos' syndrome; CHROMOSOME 5q35 DELETION SYNDROME; SOTOS SYNDROME 1. Identifiers: Orphanet 821, MedGen C0175695, MONDO:0019349, OMIM 117550.

Submissions (5):

Labcorp Genetics (formerly Invitae), Labcorp
Classification: Pathogenic. Last evaluated: 2024-10-17. Review status: criteria provided, single submitter. Criteria: Invitae Variant Classification Sherloc (09022015). Collection method: clinical testing. Allele origin: germline.
Comment: This sequence change creates a premature translational stop signal (p.Arg2187*) in the NSD1 gene. While this is not anticipated to result in nonsense mediated decay, it is expected to disrupt the last 510 amino acid(s) of the NSD1 protein. This variant is not present in population databases (gnomAD no frequency). This premature translational stop signal has been observed in individual(s) with clinical features of Sotos syndrome (PMID: 16247291, 28475857). ClinVar contains an entry for this variant (Variation ID: 159431). This variant disrupts a region of the NSD1 protein in which other variant(s) (p.Glu2564*) have been determined to be pathogenic (internal data). This suggests that this is a clinically significant region of the protein, and that variants that disrupt it are likely to be disease-causing. For these reasons, this variant has been classified as Pathogenic.

GeneDx
Classification: Pathogenic. Last evaluated: 2023-12-17. Review status: criteria provided, single submitter. Criteria: GeneDx Variant Classification Process June 2021. Collection method: clinical testing. Allele origin: germline. Affected: yes.
Comment: Nonsense variant predicted to result in protein truncation, as the last 510 amino acids are lost, and other loss-of-function variants have been reported downstream in HGMD; Not observed at significant frequency in large population cohorts (gnomAD); This variant is associated with the following publications: (PMID: 15942875, 16247291, 17565729, 33294277, 28475857, 35904121)

Laboratory of Molecular Genetics (Pr. Bezieau's lab), CHU de Nantes
Classification: Pathogenic for Neurodevelopmental disorder. Last evaluated: 2022-11-07. Review status: criteria provided, single submitter. Criteria: ACMG Guidelines, 2015. Collection method: clinical testing. Allele origin: germline. Affected: yes.

Genome-Nilou Lab
Classification: Pathogenic for Sotos syndrome. Last evaluated: 2021-07-15. Review status: criteria provided, single submitter. Criteria: ACMG Guidelines, 2015. Collection method: clinical testing. Allele origin: germline. Affected: no.

Genetic Services Laboratory, University of Chicago
Classification: Pathogenic for Sotos syndrome 1. Last evaluated: 2013-02-08. Review status: criteria provided, single submitter. Criteria: ACMG Guidelines, 2007. Collection method: clinical testing. Allele origin: germline. Inheritance: Autosomal dominant inheritance. Affected: yes.

Literature cited by the submitters: PubMed 16247291 (cited by Labcorp Genetics (formerly Invitae), Labcorp); PubMed 28475857 (cited by Labcorp Genetics (formerly Invitae), Labcorp).

NM_022455.5(NSD1):c.6559C>T (p.Arg2187Ter)

Gene: NSD1 (nuclear receptor binding SET domain protein 1; plus strand). Cytogenetic location: 5q35.3.
Variant type: single nucleotide variant.
Coding change: c.6559C>T on transcript NM_022455.5 (MANE Select); coding-DNA position 6559, C replaced by T.
Protein change: p.Arg2187Ter; replaces arginine 2187 with a stop codon.
Molecular consequence: nonsense.
Genome position (GRCh38, 1-based): chr5:177,293,927, C>T. VCF-style: chr5-177293927-C-T. GRCh37 (hg19) VCF-style: chr5-176720928-C-T.
Other names: c.6559C>T, p.Arg2187Ter (NM_001409302.1, NM_001409303.1, NM_001409301.1); c.6139C>T, p.Arg2047Ter (NM_001409304.1); c.5806C>T, p.Arg1936Ter (NM_001409305.1); c.5797C>T, p.Arg1933Ter (NM_001409306.1, NM_001409307.1); c.5686C>T, p.Arg1896Ter (NM_001409308.1, NM_172349.5, NM_001365684.2); c.5437C>T, p.Arg1813Ter (NM_001409309.1); short protein forms R2187*, R1918*, R1933*, R1936*, R2047*, R1813*, R1896*.
Identifiers: ClinVar variation 159431 (VCV000159431.19), dbSNP rs587784209, ClinGen allele CA295102.